The following is an entry in ClinVar:

NM_012208.4(HARS2):c.31G>T (p.Ala11Ser)

Genes: HARS2 (histidyl-tRNA synthetase 2, mitochondrial; plus strand), LOC119407423 (HARS1 and HARS2 bidirectional promoter region; plus strand). Cytogenetic location: 5q31.3.
Variant type: single nucleotide variant.
Coding change: c.31G>T on transcript NM_012208.4 (MANE Select); coding-DNA position 31, G replaced by T.
Protein change: p.Ala11Ser; replaces alanine 11 with serine.
Molecular consequence: missense variant. On other transcripts: 5 prime UTR variant (1), intron variant (1).
Genome position (GRCh38, 1-based): chr5:140,691,679, G>T. VCF-style: chr5-140691679-G-T. GRCh37 (hg19) VCF-style: chr5-140071264-G-T.
Other names: c.31G>T, p.Ala11Ser (NM_001278731.2, NM_001363535.2); c.-280G>T (NM_001278732.2); c.-325-116G>T (NM_001363536.2); short protein forms A11S.
Identifiers: ClinVar variation 4761411 (VCV004761411.1).

ClinVar aggregate classification (germline): Uncertain significance (1 of 4 stars; one submission).

Submission:

Labcorp Genetics (formerly Invitae), Labcorp
Classification: Uncertain significance. Last evaluated: 2025-02-26. Review status: criteria provided, single submitter. Criteria: Invitae Variant Classification Sherloc (09022015). Collection method: clinical testing. Allele origin: germline.
Comment: This sequence change replaces alanine, which is neutral and non-polar, with serine, which is neutral and polar, at codon 11 of the HARS2 protein (p.Ala11Ser). This variant is not present in population databases (gnomAD no frequency). This variant has not been reported in the literature in individuals affected with HARS2-related conditions. An algorithm developed to predict the effect of missense changes on protein structure and function (PolyPhen-2) suggests that this variant is likely to be tolerated. In summary, the available evidence is currently insufficient to determine the role of this variant in disease. Therefore, it has been classified as a Variant of Uncertain Significance.